The following is an entry in ClinVar:

ClinVar aggregate classification (germline): Benign/Likely benign. Review status: criteria provided, multiple submitters, no conflicts (2 of 4 stars). 10 submissions from 10 submitters: Benign (5); Likely benign (2). 3 of the submissions do not count toward it. Last evaluated 2026-02-03.

Conditions:
Hereditary cancer-predisposing syndrome. Also called: Tumor predisposition; Neoplastic Syndromes, Hereditary; Hereditary neoplastic syndrome; Hereditary Cancer Syndrome. Identifiers: Orphanet 140162, MedGen C0027672, MeSH D009386, MONDO:0015356.
Fanconi anemia (FA). Also called: Fanconi's anemia. Identifiers: Orphanet 84, MedGen C0015625, MeSH D005199, MONDO:0019391.
Fanconi anemia complementation group P. Also called: SLX4-Related Fanconi Anemia. Identifiers: Orphanet 84, MedGen C3469542, MONDO:0013499, OMIM 613951.

Allele frequency attached by ClinVar (database versions not stated): ESP Exome Variant Server 0.00425; TOPMed 0.00612; gnomAD 0.00638; 1000 Genomes Project 30x 0.00750; 1000 Genomes Project 0.00779.
gnomAD v4.1: 3,861 of 1,584,644 alleles (0.24%); highest among the groups gnomAD compares: African/African-American, 1.8%; 19 homozygotes.

Submissions (10):

Labcorp Genetics (formerly Invitae), Labcorp
Classification: Benign for Fanconi anemia. Last evaluated: 2026-02-03. Review status: criteria provided, single submitter. Criteria: Invitae Variant Classification Sherloc (09022015). Collection method: clinical testing. Allele origin: germline.

Molecular Diagnostics Laboratory, Catalan Institute of Oncology
Classification: Benign for Hereditary cancer-predisposing syndrome. Last evaluated: 2025-07-07. Review status: criteria provided, single submitter. Criteria: ACMG Guidelines, 2015. Collection method: clinical testing. Allele origin: germline.
Comment: BA1, BP4, BP7 c.1755C>T, located in exon 8 of the SLX4 gene, is predicted to result in no splicing alteration (according to SpliceAI) and no amino acid change, p.(Pro585=) (BP4, BP7).The variant allele was found in 334/19738 alleles (6 homozygous), with a filtering allele frequency of 1.5% at 99% confidence, within the African population in the gnomAD v2.1.1 database (non-cancer data set)(BA1). To our knowledge, functional studies have not been reported for this variant. In addition, the variant was also identified in the ClinVar database (4x likely benign, 5x benign) but it has not been identified in the LOVD database. Based on currently available information, c.1755C>T is classified as a benign variant according to ACMG guidelines

GeneDx
Classification: Likely benign. Last evaluated: 2021-10-26. Review status: criteria provided, single submitter. Criteria: GeneDx Variant Classification Process June 2021. Collection method: clinical testing. Allele origin: germline. Affected: yes.

Genetic Services Laboratory, University of Chicago
Classification: Benign. Last evaluated: 2021-03-05. Review status: criteria provided, single submitter. Criteria: ACMG Guidelines, 2015. Collection method: clinical testing. Allele origin: germline. Affected: no.

Illumina Laboratory Services, Illumina
Classification: Benign for Fanconi anemia complementation group P. Last evaluated: 2018-01-12. Review status: criteria provided, single submitter. Criteria: ICSL Variant Classification Criteria 13 December 2019. Collection method: clinical testing. Allele origin: germline.
Comment: This variant was observed in the ICSL laboratory as part of a predisposition screen in an ostensibly healthy population. It had not been previously curated by ICSL or reported in the Human Gene Mutation Database (HGMD: prior to June 1st, 2018), and was therefore a candidate for classification through an automated scoring system. Utilizing variant allele frequency, disease prevalence and penetrance estimates, and inheritance mode, an automated score was calculated to assess if this variant is too frequent to cause the disease. Based on the score and internal cut-off values, a variant classified as benign is not then subjected to further curation. The score for this variant resulted in a classification of benign for this disease.

Breakthrough Genomics
Classification: Likely benign. Review status: criteria provided, single submitter. Criteria: ACMG Guidelines, 2015. Collection method: not provided. Allele origin: germline. Inheritance: Autosomal recessive inheritance. Affected: yes.

PreventionGenetics, part of Exact Sciences
Classification: Benign. Review status: criteria provided, single submitter. Criteria: ACMG Guidelines, 2015. Collection method: clinical testing. Allele origin: germline.

Leiden Open Variation Database
Classification: Likely benign. Last evaluated: 2012-08-31. Review status: no assertion criteria provided. Collection method: curation. Allele origin: germline. Affected: yes. Not counted in ClinVar's aggregate classification.
Comment: Curator: Arleen D. Auerbach. Submitter to LOVD: Janine Bakker.

Genome Diagnostics Laboratory, Amsterdam University Medical Center
Classification: Benign. Review status: no assertion criteria provided. Collection method: clinical testing. Allele origin: germline. Affected: yes. Study: VKGL Data-share Consensus. Not counted in ClinVar's aggregate classification.

Genome Diagnostics Laboratory, University Medical Center Utrecht
Classification: Likely benign. Review status: no assertion criteria provided. Collection method: clinical testing. Allele origin: germline. Affected: yes. Study: VKGL Data-share Consensus. Not counted in ClinVar's aggregate classification.

Literature cited by the submitters: PubMed 22911665 (cited by Leiden Open Variation Database).

NM_032444.4(SLX4):c.1755C>T (p.Pro585=)

Gene: SLX4 (SLX4 structure-specific endonuclease subunit; minus strand). Cytogenetic location: 16p13.3.
Variant type: single nucleotide variant.
Coding change: c.1755C>T on transcript NM_032444.4 (MANE Select); coding-DNA position 1755, C replaced by T.
Protein change: p.Pro585=; no amino-acid change (proline 585 retained).
Molecular consequence: synonymous variant.
Genome position (GRCh38, 1-based): chr16:3,596,322, G>A on the plus strand (C>T on the coding strand, the complement: SLX4 is on the minus strand). VCF-style: chr16-3596322-G-A. GRCh37 (hg19) VCF-style: chr16-3646323-G-A.
Other names: c.1755C>T (LRG_503t1).
Identifiers: ClinVar variation 262037 (VCV000262037.24), dbSNP rs114016359, ClinGen allele CA7866415.